The following is an entry in ClinVar:

ClinVar aggregate classification (germline): Uncertain significance (1 of 4 stars; one submission).

Conditions:
Early-infantile DEE. Also called: Ohtahara syndrome; Early infantile epileptic encephalopathy; Early infantile epileptic encephalopathy with suppression bursts. Identifiers: Orphanet 1934, MedGen C0393706, MONDO:0800491.

Allele frequency attached by ClinVar (database versions not stated): gnomAD exomes below 0.00001; gnomAD 0.00001; TOPMed 0.00001.
gnomAD v4.1: 4 of 1,613,860 alleles (0.00025%); highest among the groups gnomAD compares: Non-Finnish European, 0.000085%; no homozygotes.

Submission:

Labcorp Genetics (formerly Invitae), Labcorp
Classification: Uncertain significance for Early-infantile DEE. Last evaluated: 2021-07-09. Review status: criteria provided, single submitter. Criteria: Invitae Variant Classification Sherloc (09022015). Collection method: clinical testing. Allele origin: germline.
Comment: This variant is not present in population databases (ExAC no frequency). In summary, the available evidence is currently insufficient to determine the role of this variant in disease. Therefore, it has been classified as a Variant of Uncertain Significance. Algorithms developed to predict the effect of missense changes on protein structure and function are either unavailable or do not agree on the potential impact of this missense change (SIFT: "Deleterious"; PolyPhen-2: "Possibly Damaging"; Align-GVGD: "Class C0"). This variant has not been reported in the literature in individuals affected with SCN8A-related conditions. This sequence change replaces phenylalanine with leucine at codon 1086 of the SCN8A protein (p.Phe1086Leu). The phenylalanine residue is highly conserved and there is a small physicochemical difference between phenylalanine and leucine.

NM_001330260.2(SCN8A):c.3256T>C (p.Phe1086Leu)

Gene: SCN8A (sodium voltage-gated channel alpha subunit 8; plus strand). Cytogenetic location: 12q13.13.
Variant type: single nucleotide variant.
Coding change: c.3256T>C on transcript NM_001330260.2 (MANE Select); coding-DNA position 3256, T replaced by C.
Protein change: p.Phe1086Leu; replaces phenylalanine 1086 with leucine.
Molecular consequence: missense variant.
Genome position (GRCh38, 1-based): chr12:51,769,219, T>C. VCF-style: chr12-51769219-T-C. GRCh37 (hg19) VCF-style: chr12-52163003-T-C.
Other names: c.3256T>C, p.Phe1086Leu (NM_001177984.3, NM_001369788.1, NM_014191.4); short protein forms F1086L.
Identifiers: ClinVar variation 1515503 (VCV001515503.9), dbSNP rs1395703313, ClinGen allele CA384893248.
Genomic context (GRCh38, chr12:51,769,219, plus strand): 5'-ACAACCAGCGGCATTGGCAGCAGCGTGGAGAAGTACATCATTGATGAGGACCACATGTCC[T>C]TCATCAACAACCCCAACTTGACTGTACGGGTACCCATTGCTGTGGGCGAGTCTGACTTTG-3'
Protein context (NP_001317189.1, residues 1076-1096): KYIIDEDHMS[Phe1086Leu]INNPNLTVRV